The following is an entry in ClinVar:

NM_000218.3(KCNQ1):c.914G>T (p.Trp305Leu)

Gene: KCNQ1 (potassium voltage-gated channel subfamily Q member 1; plus strand). Cytogenetic location: 11p15.5.
Variant type: single nucleotide variant.
Coding change: c.914G>T on transcript NM_000218.3 (MANE Select); coding-DNA position 914, G replaced by T.
Protein change: p.Trp305Leu; replaces tryptophan 305 with leucine.
Molecular consequence: missense variant.
Genome position (GRCh38, 1-based): chr11:2,572,979, G>T. VCF-style: chr11-2572979-G-T. GRCh37 (hg19) VCF-style: chr11-2594209-G-T.
Other names: p.W305L:TGG>TTG; c.914G>T, p.Trp305Leu (NM_001406836.1); c.644G>T, p.Trp215Leu (NM_001406837.1); c.533G>T, p.Trp178Leu (NM_181798.2); short protein forms W178L, W305L, W215L.
Identifiers: ClinVar variation 200824 (VCV000200824.17), dbSNP rs120074186, ClinGen allele CA008627.
Genomic context (GRCh38, chr11:2,572,979, plus strand): 5'-AGGACGCGGTGAACGAGTCAGGCCGCGTGGAGTTCGGCAGCTACGCAGATGCGCTGTGGT[G>T]GGGGGTGGTAAGTCGGAAACTTCCAGGCATGGGGACAGGGGCAGCTCAGGCTGAGGAGTG-3'
Protein context (NP_000209.2, residues 295-315): EFGSYADALW[Trp305Leu]GVVTVTTIGY

ClinVar aggregate classification (germline): Conflicting classifications of pathogenicity. Review status: criteria provided, conflicting classifications (1 of 4 stars). 9 submissions from 9 submitters: Pathogenic (3); Likely pathogenic (4); Uncertain significance (2). Last evaluated 2024-03-11.

Conditions:
Cardiovascular phenotype. Identifiers: MedGen CN230736.
KCNQ1-related disorder. Also called: KCNQ1-related disorders; KCNQ1-related condition. Identifiers: MedGen CN239322.
Long QT syndrome (LQTS). Identifiers: MedGen C0023976, MeSH D008133, MONDO:0002442. Disease mechanism: loss of function. Inheritance: Various modes of inheritance.
Long QT syndrome 1 (LQT1). Identifiers: Orphanet 101016, Orphanet 768, MedGen C4551647, MONDO:0100316, OMIM 192500, MONDO:0008646.
Jervell and Lange-Nielsen syndrome 1 (JLNS1). Also called: CARDIOAUDITORY SYNDROME OF JERVELL AND LANGE-NIELSEN; DEAFNESS, CONGENITAL, AND FUNCTIONAL HEART DISEASE; SURDO-CARDIAC SYNDROME; PROLONGED QT INTERVAL IN EKG AND SUDDEN DEATH. Identifiers: Orphanet 768, Orphanet 90647, MedGen C4551509, MONDO:0024540, OMIM 220400.

gnomAD v4.1: 3 of 1,612,826 alleles (0.00019%); highest among the groups gnomAD compares: Non-Finnish European, 0.00017%; no homozygotes.

Submissions 1 to 6 of 9:

Labcorp Genetics (formerly Invitae), Labcorp
Classification: Likely pathogenic for Long QT syndrome. Last evaluated: 2024-03-11. Review status: criteria provided, single submitter. Criteria: Invitae Variant Classification Sherloc (09022015). Collection method: clinical testing. Allele origin: germline.
Comment: This sequence change replaces tryptophan, which is neutral and slightly polar, with leucine, which is neutral and non-polar, at codon 305 of the KCNQ1 protein (p.Trp305Leu). This variant is present in population databases (rs120074186, gnomAD no frequency). This missense change has been observed in individual(s) with long QT syndrome (PMID: 26344792). ClinVar contains an entry for this variant (Variation ID: 200824). Advanced modeling of protein sequence and biophysical properties (such as structural, functional, and spatial information, amino acid conservation, physicochemical variation, residue mobility, and thermodynamic stability) performed at Invitae indicates that this missense variant is expected to disrupt KCNQ1 protein function with a positive predictive value of 95%. Experimental studies have shown that this missense change affects KCNQ1 function (PMID: 26344792). This variant disrupts the p.Trp305 amino acid residue in KCNQ1. Other variant(s) that disrupt this residue have been determined to be pathogenic (PMID: 19490272, 19716085, 21451124, 26344792). This suggests that this residue is clinically significant, and that variants that disrupt this residue are likely to be disease-causing. In summary, the currently available evidence indicates that the variant is pathogenic, but additional data are needed to prove that conclusively. Therefore, this variant has been classified as Likely Pathogenic.

All of Us Research Program, National Institutes of Health
Classification: Uncertain significance for Long QT syndrome. Last evaluated: 2024-02-05. Review status: criteria provided, single submitter. Criteria: ACMG Guidelines, 2015. Collection method: clinical testing. Allele origin: germline. Inheritance: Autosomal dominant inheritance. Observed: 3 variant alleles, 3 heterozygotes.
Comment: This missense variant replaces tryptophan with leucine at codon 305 of the KCNQ1 protein. Computational prediction suggests that this variant may have deleterious impact on protein structure and function (internally defined REVEL score threshold >= 0.7, PMID: 27666373). This variant is found within a highly conserved pore region (a.a. 300-320). Rare non-truncating variants in this region have been shown to be significantly overrepresented in individuals with long QT syndrome (PMID: 32893267). A functional study has shown that this variant results in significantly decreased peak current densities compared to wild type protein (PMID: 26344792). This variant has been reported in 2 individuals affected with long QT syndrome (PMID: 26344792, 28532774) and 2 individuals with suspected long QT syndrome (PMID: 31737537). This variant was found to partially segregate in a family with long QT syndrome and a syncope phenotype (PMID: 26344792). A different missense variant occurring at the same codon, p.Trp305Ser, is known to be disease-causing (ClinVar variation ID: 3127). This variant has been identified in 1/249180 chromosomes in the general population by the Genome Aggregation Database (gnomAD). Although there is a suspicion for a pathogenic role, the available evidence is insufficient to determine the role of this p.Trp305Leu variant in disease conclusively. Therefore, this variant is classified as a Variant of Uncertain Significance.

This study involves interpretation of variants in research participants for the purpose of population health screening. Participant phenotype was not available at the time of variant classification. Additional details can be found in publication PMID: 35346344, PMCID: PMC8962531

GeneDx
Classification: Likely pathogenic. Last evaluated: 2022-08-16. Review status: criteria provided, single submitter. Criteria: GeneDx Variant Classification Process June 2021. Collection method: clinical testing. Allele origin: germline. Affected: yes.
Comment: Not observed at a significant frequency in large population cohorts (gnomAD); In silico analysis supports that this missense variant has a deleterious effect on protein structure/function; Published functional studies demonstrate a damaging effect of the potassium ion channel function, with reduced peak current density in transfected COS7 cells (Zhou et al., 2015); This variant is associated with the following publications: (PMID: 26344792, 28532774, 31737537, 32431610, 34428338)

Ambry Genetics
Classification: Uncertain significance for Cardiovascular phenotype. Last evaluated: 2022-01-24. Review status: criteria provided, single submitter. Criteria: Ambry Variant Classification Scheme 2023. Collection method: clinical testing. Allele origin: germline.
Comment: The p.W305L variant (also known as c.914G>T), located in coding exon 6 of the KCNQ1 gene, results from a G to T substitution at nucleotide position 914. The tryptophan at codon 305 is replaced by leucine, an amino acid with similar properties. This variant has been detected in an individual with long QT syndrome (LQTS) and in relatives with normal QTc intervals (Zhou H et al. Cardiol Young, 2016 Apr;26:754-63). This variant was also detected in an individual with prolonged QTc in the setting of congenital heart disease, and in individuals referred for LQTS genetic testing for whom clinical details were limited (Ebrahim MA et al. Am. J. Cardiol., 2017 Jul;120:256-261; Marschall C et al. Cardiovasc Diagn Ther, 2019 Oct;9:S292-S298). This variant was also detected in a genome sequencing cohort in individuals with normal ECGs or who were not indicated as having LQTS on ECG (Elfatih A et al. Hum Mutat, 2021 Aug). In one in vitro study, this variant resulted in reduced current density compared to wild type when expressed in the mock-homozygous state (Zhou H et al. Cardiol Young, 2016 Apr;26:754-63). This amino acid position is highly conserved in available vertebrate species. In addition, this alteration is predicted to be deleterious by in silico analysis. Since supporting evidence is limited at this time, the clinical significance of this alteration remains unclear.

3billion
Classification: Pathogenic for Jervell and Lange-Nielsen syndrome 1. Last evaluated: 2022-01-03. Review status: criteria provided, single submitter. Criteria: ACMG Guidelines, 2015. Collection method: clinical testing. Allele origin: germline. Affected: yes. Observed: 1 homozygote.
Comment: Same nucleotide change resulting in same amino acid change has been previously reported as pathogenic/likely pathogenic with strong evidence (ClinVar ID: VCV000200824, PMID:26344792, PS1_S). Functional studies provide strong evidence of the variant having a damaging effect on the gene or gene product (PMID:26344792, PS3_S). A different missense change at the same codon has been reported as pathogenic/likely pathogenic with strong evidence (ClinVar ID: VCV000003127, PMID:9781056,19716085, PM5_M). It is observed at an extremely low frequency in the gnomAD v2.1.1 dataset (total allele frequency: 0.000004, PM2_M). In silico tool predictions suggest damaging effect of the variant on gene or gene product (REVEL: 0.97, 3CNET: 0.999, PP3_P). A missense variant is a common mechanism associated with Jervell and Lange-Nielsen syndrome (PP2_P).Therefore, this variant is classified as pathogenic according to the recommendation of ACMG/AMP guideline.

Blueprint Genetics
Classification: Likely pathogenic for KCNQ1-related disorders. Last evaluated: 2021-11-09. Review status: criteria provided, single submitter. Criteria: ACMG Guidelines, 2015. Collection method: clinical testing. Allele origin: germline. Affected: yes. Observed: 5 variant alleles.